The following is an entry in ClinVar:

NM_031443.4(CCM2):c.510_511insA (p.Ala171fs)

Gene: CCM2 (CCM2 scaffold protein; plus strand). Cytogenetic location: 7p13.
Variant type: Insertion.
Coding change: c.510_511insA on transcript NM_031443.4 (MANE Select); coding-DNA positions 510 to 511, A inserted.
Protein change: p.Ala171fs; shifts the reading frame from alanine 171.
Molecular consequence: frameshift variant. On other transcripts: intron variant (1), non-coding transcript variant (1).
Genome position: GRCh38 VCF-style: chr7-45068480-T-TA. GRCh37 (hg19) VCF-style: chr7-45108079-T-TA.
Other names: c.472+3834_472+3835insA (NM_001167935.2); c.573_574insA, p.Ala192fs (NM_001029835.2); c.336_337insA, p.Ala113fs (NM_001167934.2, NM_001363459.2); c.510_511insA, p.Ala171fs (NM_001363458.2); short protein forms A192fs, A113fs, A171fs.
Identifiers: ClinVar variation 4724918 (VCV004724918.1).

ClinVar aggregate classification (germline): Pathogenic (1 of 4 stars; one submission).

Conditions:
Cerebral cavernous malformation 2. Also called: Familial Cerebral Cavernous Malformation 2. Identifiers: Orphanet 221061, MedGen C1864041, MONDO:0011304, OMIM 603284.

Submission:

Labcorp Genetics (formerly Invitae), Labcorp
Classification: Pathogenic for Cerebral cavernous malformation 2. Last evaluated: 2025-08-06. Review status: criteria provided, single submitter. Criteria: Invitae Variant Classification Sherloc (09022015). Collection method: clinical testing. Allele origin: germline.
Comment: This sequence change creates a premature translational stop signal (p.Ala171Serfs*65) in the CCM2 gene. It is expected to result in an absent or disrupted protein product. Loss-of-function variants in CCM2 are known to be pathogenic (PMID: 18300272, 24689081). This variant is not present in population databases (gnomAD no frequency). This variant has not been reported in the literature in individuals affected with CCM2-related conditions. For these reasons, this variant has been classified as Pathogenic.

Literature cited by the submitters: PubMed 18300272; PubMed 24689081.